The following is an entry in ClinVar:

ClinVar aggregate classification (germline): Uncertain significance (1 of 4 stars; one submission).

Conditions:
Hereditary cancer-predisposing syndrome. Also called: Neoplastic Syndromes, Hereditary; Tumor predisposition; Hereditary Cancer Syndrome; Hereditary neoplastic syndrome. Identifiers: Orphanet 140162, MedGen C0027672, MeSH D009386, MONDO:0015356.

Submission:

Ambry Genetics
Classification: Uncertain significance for Hereditary cancer-predisposing syndrome. Last evaluated: 2025-10-25. Review status: criteria provided, single submitter. Criteria: Ambry Variant Classification Scheme 2023. Collection method: clinical testing. Allele origin: germline.
Comment: The p.R477I variant (also known as c.1430G>T), located in coding exon 11 of the POT1 gene, results from a G to T substitution at nucleotide position 1430. The arginine at codon 477 is replaced by isoleucine, an amino acid with similar properties. This amino acid position is conserved. In addition, this alteration is predicted to be tolerated by in silico analysis. Based on the available evidence, the clinical significance of this variant remains unclear.

NM_015450.3(POT1):c.1430G>T (p.Arg477Ile)

Gene: POT1 (protection of telomeres 1; minus strand). Cytogenetic location: 7q31.33.
Variant type: single nucleotide variant.
Coding change: c.1430G>T on transcript NM_015450.3 (MANE Select); coding-DNA position 1430, G replaced by T.
Protein change: p.Arg477Ile; replaces arginine 477 with isoleucine.
Molecular consequence: missense variant. On other transcripts: non-coding transcript variant (3).
Genome position (GRCh38, 1-based): chr7:124,835,354, C>A on the plus strand (G>T on the coding strand, the complement: POT1 is on the minus strand). VCF-style: chr7-124835354-C-A. GRCh37 (hg19) VCF-style: chr7-124475408-C-A.
Other names: c.1037G>T, p.Arg346Ile (NM_001042594.2); short protein forms R477I, R346I.
Identifiers: ClinVar variation 4673673 (VCV004673673.1).